The following is an entry in ClinVar:

ClinVar aggregate classification (germline): Likely benign (1 of 4 stars; one submission).

Allele frequency attached by ClinVar (database versions not stated): 1000 Genomes Project 30x 0.00047; 1000 Genomes Project 0.00060; ExAC 0.00083.

Submission:

CeGaT Center for Human Genetics Tuebingen
Classification: Likely benign. Last evaluated: 2022-05-01. Review status: criteria provided, single submitter. Criteria: CeGaT Center For Human Genetics Tuebingen Variant Classification Criteria Version 2. Collection method: clinical testing. Allele origin: germline. Affected: yes. Observed: 1 variant allele.
Comment: FOXD4L3: BP4, BP7

NM_199135.4(FOXD4L3):c.1213C>A (p.Arg405=)

Gene: FOXD4L3 (forkhead box D4 like 3; plus strand). Cytogenetic location: 9q21.11.
Variant type: single nucleotide variant.
Coding change: c.1213C>A on transcript NM_199135.4 (MANE Select); coding-DNA position 1213, C replaced by A.
Protein change: p.Arg405=; no amino-acid change (arginine 405 retained).
Molecular consequence: synonymous variant.
Genome position (GRCh38, 1-based): chr9:68,304,164, C>A. VCF-style: chr9-68304164-C-A. GRCh37 (hg19) VCF-style: chr9-70919080-C-A.
Identifiers: ClinVar variation 2659236 (VCV002659236.24), dbSNP rs571308166, ClinGen allele CA5071082.